The following is an entry in ClinVar:

NM_130839.5(UBE3A):c.1253A>G (p.Lys418Arg)

Genes: SNHG14 (small nucleolar RNA host gene 14; plus strand), UBE3A (ubiquitin protein ligase E3A; minus strand). Cytogenetic location: 15q11.2.
Variant type: single nucleotide variant.
Coding change: c.1253A>G on transcript NM_130839.5 (MANE Select); coding-DNA position 1253, A replaced by G.
Protein change: p.Lys418Arg; replaces lysine 418 with arginine.
Molecular consequence: missense variant. On other transcripts: non-coding transcript variant (1), intron variant (2).
Genome position (GRCh38, 1-based): chr15:25,370,921, T>C on the plus strand (A>G on the coding strand, the complement: UBE3A is on the minus strand). VCF-style: chr15-25370921-T-C. GRCh37 (hg19) VCF-style: chr15-25616068-T-C.
Other names: c.1262A>G, p.Lys421Arg (NM_000462.5); c.1253A>G, p.Lys418Arg (NM_001354505.1, NM_001354538.2, NM_001354545.2); c.1193A>G, p.Lys398Arg (NM_001354506.2, NM_001354507.2, NM_001354508.2 and 17 more transcripts); c.301+4544A>G (NM_001354551.2); c.361+4544A>G (NM_001354550.2); c.1076A>G, p.Lys359Arg (NM_001354546.2); short protein forms K359R, K398R, K418R, K421R.
Identifiers: ClinVar variation 3636583 (VCV003636583.2).

ClinVar aggregate classification (germline): Uncertain significance (1 of 4 stars; one submission).

Conditions:
Angelman syndrome (AS). Also called: HAPPY PUPPET SYNDROME. Identifiers: Orphanet 72, MedGen C0162635, MONDO:0007113, OMIM 105830. Disease mechanism: loss of function. Inheritance: AS is caused by disruption of maternally imprinted UBE3A located within the 15q11.2-q13 Angelman syndrome/Prader-Willi syndrome (AS/PWS) region., imprinting disorder.

gnomAD v4.1: 2 of 1,614,090 alleles (0.00012%); highest among the groups gnomAD compares: Non-Finnish European, 0.000085%; no homozygotes.

Submission:

Labcorp Genetics (formerly Invitae), Labcorp
Classification: Uncertain significance for Angelman syndrome. Last evaluated: 2024-04-24. Review status: criteria provided, single submitter. Criteria: Invitae Variant Classification Sherloc (09022015). Collection method: clinical testing. Allele origin: germline.
Comment: This sequence change replaces lysine, which is basic and polar, with arginine, which is basic and polar, at codon 398 of the UBE3A protein (p.Lys398Arg). This variant is not present in population databases (gnomAD no frequency). This variant has not been reported in the literature in individuals affected with UBE3A-related conditions. Advanced modeling of protein sequence and biophysical properties (such as structural, functional, and spatial information, amino acid conservation, physicochemical variation, residue mobility, and thermodynamic stability) has been performed at Invitae for this missense variant, however the output from this modeling did not meet the statistical confidence thresholds required to predict the impact of this variant on UBE3A protein function. In summary, the available evidence is currently insufficient to determine the role of this variant in disease. Therefore, it has been classified as a Variant of Uncertain Significance.